The following is an entry in ClinVar:

NM_001393769.1(MED12L):c.2147G>T (p.Cys716Phe)

Gene: MED12L (mediator complex subunit 12L; plus strand). Cytogenetic location: 3q25.1.
Variant type: single nucleotide variant.
Coding change: c.2147G>T on transcript NM_001393769.1 (MANE Select); coding-DNA position 2147, G replaced by T.
Protein change: p.Cys716Phe; replaces cysteine 716 with phenylalanine.
Molecular consequence: missense variant.
Genome position (GRCh38, 1-based): chr3:151,193,563, G>T. VCF-style: chr3-151193563-G-T. GRCh37 (hg19) VCF-style: chr3-150911350-G-T.
Other names: c.2042G>T, p.Cys681Phe (NM_053002.6); c.2042G>T (NM_053002.4); short protein forms C681F, C716F.
Identifiers: ClinVar variation 1325565 (VCV001325565.4), dbSNP rs772438632, ClinGen allele CA2666854.

ClinVar aggregate classification (germline): Conflicting classifications of pathogenicity. Review status: criteria provided, conflicting classifications (1 of 4 stars). 3 submissions from 3 submitters: Uncertain significance (1); Likely benign (2). Last evaluated 2026-07-01.

Conditions:
Inborn genetic diseases. Identifiers: MedGen C0950123, MeSH D030342.
Nizon-Isidor syndrome. Identifiers: MedGen C5394350, MONDO:0030030, OMIM 618872.

Allele frequency attached by ClinVar (database versions not stated): ExAC 0.00002; gnomAD exomes 0.00004.
gnomAD v4.1: 25 of 1,613,932 alleles (0.0015%); highest among the groups gnomAD compares: African/African-American, 0.013%; no homozygotes.

Submissions (3):

CeGaT Center for Human Genetics Tuebingen
Classification: Likely benign. Last evaluated: 2026-07-01. Review status: criteria provided, single submitter. Criteria: CeGaT Center For Human Genetics Tuebingen Variant Classification Criteria Version 2. Collection method: clinical testing. Allele origin: germline. Affected: yes. Observed: 1 variant allele.
Comment: MED12L: BP4

Ambry Genetics
Classification: Likely benign for Inborn genetic diseases. Last evaluated: 2023-03-31. Review status: criteria provided, single submitter. Criteria: Ambry Variant Classification Scheme 2023. Collection method: clinical testing. Allele origin: germline.

New York Genome Center
Classification: Uncertain significance for Nizon-Isidor syndrome. Last evaluated: 2020-05-08. Review status: criteria provided, single submitter. Criteria: NYGC Assertion Criteria 2020. Collection method: clinical testing. Allele origin: germline. Observed: 1 heterozygote. Study: CSER-NYCKidSeq.